The following is an entry in ClinVar:

ClinVar aggregate classification (germline): Uncertain significance (1 of 4 stars; one submission).

Submission:

GeneDx
Classification: Uncertain significance. Last evaluated: 2026-08-11. Review status: criteria provided, single submitter. Criteria: GeneDx Variant Classification Process June 2021. Collection method: clinical testing. Allele origin: germline.
Comment: In silico analysis supports that this missense variant has a deleterious effect on protein structure/function; Has not been previously published as pathogenic or benign to our knowledge

NM_002929.3(GRK1):c.1627G>A (p.Asp543Asn)

Gene: GRK1 (G protein-coupled receptor kinase 1; plus strand). Cytogenetic location: 13q34.
Variant type: single nucleotide variant.
Coding change: c.1627G>A on transcript NM_002929.3 (MANE Select); coding-DNA position 1627, G replaced by A.
Protein change: p.Asp543Asn; replaces aspartic acid 543 with asparagine.
Molecular consequence: missense variant.
Genome position (GRCh38, 1-based): chr13:113,735,298, G>A. VCF-style: chr13-113735298-G-A. GRCh37 (hg19) VCF-style: chr13-114438271-G-A.
Other names: short protein forms D543N.
Identifiers: ClinVar variation 3342407 (VCV003342407.2).